The following is an entry in ClinVar:

ClinVar aggregate classification (germline): Pathogenic (1 of 4 stars; one submission).

Conditions:
Rhabdoid tumor predisposition syndrome 2 (RTPS2). Identifiers: Orphanet 231108, Orphanet 69077, MedGen C2750074, MONDO:0013224, OMIM 613325.

Submission:

Labcorp Genetics (formerly Invitae), Labcorp
Classification: Pathogenic for Rhabdoid tumor predisposition syndrome 2. Last evaluated: 2020-11-14. Review status: criteria provided, single submitter. Criteria: Invitae Variant Classification Sherloc (09022015). Collection method: clinical testing. Allele origin: germline.
Comment: This variant is not present in population databases (ExAC no frequency). This variant has not been reported in the literature in individuals with SMARCA4-related conditions. For these reasons, this variant has been classified as Pathogenic. This sequence change creates a premature translational stop signal (p.Gln115*) in the SMARCA4 gene. It is expected to result in an absent or disrupted protein product. Loss-of-function variants in SMARCA4 are known to be pathogenic (PMID: 24658001, 24658002).

Literature cited by the submitters: PubMed 24658001; PubMed 24658002.

NM_003072.5(SMARCA4):c.343C>T (p.Gln115Ter)

Gene: SMARCA4 (SWI/SNF related BAF chromatin remodeling complex subunit ATPase 4; plus strand). Cytogenetic location: 19p13.2.
Variant type: single nucleotide variant.
Coding change: c.343C>T on transcript NM_003072.5 (MANE Select); coding-DNA position 343, C replaced by T.
Protein change: p.Gln115Ter; replaces glutamine 115 with a stop codon.
Molecular consequence: nonsense. On other transcripts: non-coding transcript variant (1).
Genome position (GRCh38, 1-based): chr19:10,985,393, C>T. VCF-style: chr19-10985393-C-T. GRCh37 (hg19) VCF-style: chr19-11096069-C-T.
Other names: c.343C>T, p.Gln115Ter (NM_001128844.3, NM_001128845.2, NM_001128846.2 and 5 more transcripts); short protein forms Q115*.
Identifiers: ClinVar variation 1422718 (VCV001422718.6), dbSNP rs2145752709, ClinGen allele CA404055370.